The following is an entry in ClinVar:

NM_018297.4(NGLY1):c.1790A>T (p.Asp597Val)

Gene: NGLY1 (N-glycanase 1; minus strand). Cytogenetic location: 3p24.2.
Variant type: single nucleotide variant.
Coding change: c.1790A>T on transcript NM_018297.4 (MANE Select); coding-DNA position 1790, A replaced by T.
Protein change: p.Asp597Val; replaces aspartic acid 597 with valine.
Molecular consequence: missense variant.
Genome position (GRCh38, 1-based): chr3:25,719,635, T>A on the plus strand (A>T on the coding strand, the complement: NGLY1 is on the minus strand). VCF-style: chr3-25719635-T-A. GRCh37 (hg19) VCF-style: chr3-25761126-T-A.
Other names: c.1736A>T, p.Asp579Val (NM_001145293.2); c.1664A>T, p.Asp555Val (NM_001145294.2); c.1612A>T, p.Ile538Leu (NM_001145295.2); short protein forms D597V, D555V, I538L, D579V.
Identifiers: ClinVar variation 2145769 (VCV002145769.1), dbSNP rs1353013215, ClinGen allele CA351893719.

ClinVar aggregate classification (germline): Uncertain significance (1 of 4 stars; one submission).

Conditions:
Congenital disorder of deglycosylation (CDDG). Identifiers: MedGen C3808991, MONDO:0031376.

gnomAD v4.1: 1 of 1,608,998 alleles (0.000062%); highest among the groups gnomAD compares: Non-Finnish European, 0.000085%; no homozygotes.

Submission:

Labcorp Genetics (formerly Invitae), Labcorp
Classification: Uncertain significance for Congenital disorder of deglycosylation. Last evaluated: 2022-08-21. Review status: criteria provided, single submitter. Criteria: Invitae Variant Classification Sherloc (09022015). Collection method: clinical testing. Allele origin: germline.
Comment: This sequence change replaces aspartic acid, which is acidic and polar, with valine, which is neutral and non-polar, at codon 597 of the NGLY1 protein (p.Asp597Val). This variant is not present in population databases (gnomAD no frequency). This variant has not been reported in the literature in individuals affected with NGLY1-related conditions. Algorithms developed to predict the effect of missense changes on protein structure and function are either unavailable or do not agree on the potential impact of this missense change (SIFT: "Deleterious"; PolyPhen-2: "Possibly Damaging"; Align-GVGD: "Class C0"). In summary, the available evidence is currently insufficient to determine the role of this variant in disease. Therefore, it has been classified as a Variant of Uncertain Significance.